The following is an entry in ClinVar:

ClinVar aggregate classification (germline): Pathogenic (1 of 4 stars; one submission).

Conditions:
Age related macular degeneration 4. Identifiers: MedGen C1853147, MONDO:0012540, OMIM 610698.

Submission:

Genomenon, Inc
Classification: Pathogenic for Age related macular degeneration 4. Last evaluated: 2025-10-02. Review status: criteria provided, single submitter. Criteria: Genomenon Sequence Variant Interpretation Standards - Updated. Collection method: curation. Allele origin: germline. Affected: yes.
Comment: CFH p.Tyr916Ter (c.2748C>G) is a nonsense variant that introduces a premature stop codon at amino acid position 916, creating a truncated protein that is predicted to undergo nonsense-mediated mRNA decay. This variant has been observed in at least one proband affected with age-related macular degeneration (PMID:36246952). The variant was found to segregate with disease in at least one affected family (PMID:36246952). It is absent or not present at a significant frequency in gnomAD. In conclusion, we classify CFH p.Tyr916Ter (c.2748C>G) as a pathogenic variant.

Literature cited by the submitters: PubMed 36246952.

NM_000186.4(CFH):c.2748C>G (p.Tyr916Ter)

Gene: CFH (complement factor H; plus strand). Cytogenetic location: 1q31.3.
Variant type: single nucleotide variant.
Coding change: c.2748C>G on transcript NM_000186.4 (MANE Select); coding-DNA position 2748, C replaced by G.
Protein change: p.Tyr916Ter; replaces tyrosine 916 with a stop codon.
Molecular consequence: nonsense.
Genome position (GRCh38, 1-based): chr1:196,737,626, C>G. VCF-style: chr1-196737626-C-G. GRCh37 (hg19) VCF-style: chr1-196706756-C-G.
Other names: short protein forms Y916*.
Identifiers: ClinVar variation 4291505 (VCV004291505.1).
Genomic context (GRCh38, chr1:196,737,626, plus strand): 5'-ATTGAGTTATACTTGTGAGGGTGGTTTCAGGATATCTGAAGAAAATGAAACAACATGCTA[C>G]ATGGGAAAATGGAGTTCTCCACCTCAGTGTGAAGGTTAGGCCAATATGAATACTCAATTT-3'